The following is an entry in ClinVar:

NM_000038.6(APC):c.6457G>C (p.Asp2153His)

Gene: APC (APC regulator of Wnt signaling pathway; plus strand). Cytogenetic location: 5q22.2.
Variant type: single nucleotide variant.
Coding change: c.6457G>C on transcript NM_000038.6 (MANE Select); coding-DNA position 6457, G replaced by C.
Protein change: p.Asp2153His; replaces aspartic acid 2153 with histidine.
Molecular consequence: missense variant.
Genome position (GRCh38, 1-based): chr5:112,842,051, G>C. VCF-style: chr5-112842051-G-C. GRCh37 (hg19) VCF-style: chr5-112177748-G-C.
Other names: c.6457G>C, p.Asp2153His (NM_001127510.3, NM_001354895.2); c.6403G>C, p.Asp2135His (NM_001127511.3); c.6511G>C, p.Asp2171His (NM_001354896.2); c.6487G>C, p.Asp2163His (NM_001354897.2); c.6382G>C, p.Asp2128His (NM_001354898.2); c.6373G>C, p.Asp2125His (NM_001354899.2); c.6334G>C, p.Asp2112His (NM_001354900.2); c.6280G>C, p.Asp2094His (NM_001354901.2); and 5 more; short protein forms D2153H, D2135H, D2052H, D2163H, D2027H, D2062H, D2094H, D2112H.
Identifiers: ClinVar variation 537448 (VCV000537448.10), dbSNP rs1196287183, ClinGen allele CA16035457.

ClinVar aggregate classification (germline): Uncertain significance (1 of 4 stars; one submission).

Conditions:
Familial adenomatous polyposis 1 (FAP1). Also called: FAMILIAL ADENOMATOUS POLYPOSIS 1, ATTENUATED; POLYPOSIS, ADENOMATOUS INTESTINAL. Identifiers: MedGen C2713442, MONDO:0021056, OMIM 175100. Disease mechanism: loss of function.

Submission:

Labcorp Genetics (formerly Invitae), Labcorp
Classification: Uncertain significance for Familial adenomatous polyposis 1. Last evaluated: 2017-11-16. Review status: criteria provided, single submitter. Criteria: Invitae Variant Classification Sherloc (09022015). Collection method: clinical testing. Allele origin: germline.
Comment: This sequence change replaces aspartic acid with histidine at codon 2153 of the APC protein (p.Asp2153His). The aspartic acid residue is highly conserved and there is a moderate physicochemical difference between aspartic acid and histidine. This variant is not present in population databases (ExAC no frequency). This variant has not been reported in the literature in individuals with APC-related disease. Algorithms developed to predict the effect of missense changes on protein structure and function do not agree on the potential impact of this missense change (SIFT: "Deleterious"; PolyPhen-2: "Probably Damaging"; Align-GVGD: "Class C0"). In summary, the available evidence is currently insufficient to determine the role of this variant in disease. Therefore, it has been classified as a Variant of Uncertain Significance.